The following is an entry in ClinVar:

ClinVar aggregate classification (germline): Uncertain significance (1 of 4 stars; one submission).

gnomAD v4.1: 6 of 1,558,374 alleles (0.00039%); highest among the groups gnomAD compares: African/African-American, 0.0082%; no homozygotes.

Submission:

Ambry Genetics
Classification: Uncertain significance. Last evaluated: 2025-09-24. Review status: criteria provided, single submitter. Criteria: Ambry Variant Classification Scheme 2023. Collection method: clinical testing. Allele origin: germline.
Comment: The c.6409G>A (p.E2137K) alteration is located in exon 46 (coding exon 46) of the CACNA1B gene. This alteration results from a G to A substitution at nucleotide position 6409, causing the glutamic acid (E) at amino acid position 2137 to be replaced by a lysine (K). Based on data from gnomAD, the A allele has an overall frequency of 0.002% (4/193864) total alleles studied. The highest observed frequency was 0.023% (4/17356) of African alleles. Based on insufficient or conflicting evidence, the clinical significance of this alteration remains unclear.

NM_000718.4(CACNA1B):c.6409G>A (p.Glu2137Lys)

Gene: CACNA1B (calcium voltage-gated channel subunit alpha1 B; plus strand). Cytogenetic location: 9q34.3.
Variant type: single nucleotide variant.
Coding change: c.6409G>A on transcript NM_000718.4 (MANE Select); coding-DNA position 6409, G replaced by A.
Protein change: p.Glu2137Lys; replaces glutamic acid 2137 with lysine.
Molecular consequence: missense variant.
Genome position (GRCh38, 1-based): chr9:138,120,801, G>A. VCF-style: chr9-138120801-G-A. GRCh37 (hg19) VCF-style: chr9-141015253-G-A.
Other names: c.6409G>A, p.Glu2137Lys (NM_001243812.2); short protein forms E2137K.
Identifiers: ClinVar variation 4647503 (VCV004647503.1).